The following is an entry in ClinVar:

ClinVar aggregate classification (germline): Pathogenic (1 of 4 stars; one submission).

Conditions:
Retinitis pigmentosa (RP). Identifiers: Orphanet 791, MedGen C0035334, MeSH D012174, MONDO:0019200, OMIM 268000. Inheritance: Autosomal dominant, autosomal recessive and X linked inheritance.

Submission:

Women's Health and Genetics/Laboratory Corporation of America, LabCorp
Classification: Pathogenic for Retinitis pigmentosa. Last evaluated: 2026-04-02. Review status: criteria provided, single submitter. Criteria: LabCorp Variant Classification Summary - May 2015. Collection method: clinical testing. Allele origin: germline.
Comment: Variant summary: EYS c.1804_1805delGT (p.Val602CysfsX4) results in a premature termination codon, predicted to cause a truncation of the encoded protein or absence of the protein due to nonsense mediated decay, which are commonly known mechanisms for disease. The variant was absent in 156058 control chromosomes. To our knowledge, no occurrence of c.1804_1805delGT in individuals affected with EYS-related conditions and no experimental evidence demonstrating its impact on protein function have been reported. No submitters have cited clinical-significance assessments for this variant to ClinVar. Based on the evidence outlined above, the variant was classified as pathogenic.

NM_001142800.2(EYS):c.1804_1805del (p.Val602fs)

Gene: EYS (EGF-like photoreceptor maintenance factor; minus strand). Cytogenetic location: 6q12.
Variant type: Microsatellite.
Coding change: c.1804_1805del on transcript NM_001142800.2 (MANE Select); coding-DNA positions 1804 to 1805, 2 bases deleted (GT; older notation c.1804_1805delGT).
Protein change: p.Val602fs; shifts the reading frame from valine 602.
Molecular consequence: frameshift variant.
Genome position (GRCh38, 1-based): chr6:65,296,081-65,296,082, AC deleted on the plus strand (GT on the coding strand, the reverse complement: EYS is on the minus strand); deleting any 2 consecutive bases within chr6:65,296,081-65,296,087 gives the same sequence; the c. name uses the placement nearest the transcript's 3' end. VCF-style (leftmost placement, unchanged base first): chr6-65296080-AAC-A. GRCh37 (hg19) VCF-style: chr6-66005973-AAC-A.
Other names: c.1804_1805delGT (NM_001142800.2); c.1804_1805del, p.Val602fs (NM_001292009.2); short protein forms V602fs.
Identifiers: ClinVar variation 4848949 (VCV004848949.1).
Genomic context (GRCh38, chr6:65,296,080, plus strand): 5'-GGCCAGGCAGAGGCCATGCACTGATATACTGTGGTTCCCTAAGCAATAGTCAACATTGAC[AAC>A]ACACAATCTGCCAATGTAACTAAGAGAACAGCTGCATCTGAAACACAGAGAAATGAAAAA-3'